The following is an entry in ClinVar:

NM_000094.4(COL7A1):c.3470T>C (p.Val1157Ala)

Gene: COL7A1 (collagen type VII alpha 1 chain; minus strand). Cytogenetic location: 3p21.31.
Variant type: single nucleotide variant.
Coding change: c.3470T>C on transcript NM_000094.4 (MANE Select); coding-DNA position 3470, T replaced by C.
Protein change: p.Val1157Ala; replaces valine 1157 with alanine.
Molecular consequence: missense variant.
Genome position (GRCh38, 1-based): chr3:48,586,412, A>G on the plus strand (T>C on the coding strand, the complement: COL7A1 is on the minus strand). VCF-style: chr3-48586412-A-G. GRCh37 (hg19) VCF-style: chr3-48623845-A-G.
Other names: short protein forms V1157A.
Identifiers: ClinVar variation 2813498 (VCV002813498.4), dbSNP rs2531209047, ClinGen allele CA352705312.

ClinVar aggregate classification (germline): Uncertain significance. Review status: criteria provided, multiple submitters, no conflicts (2 of 4 stars). 2 submissions from 2 submitters: Uncertain significance (2). Last evaluated 2026-01-20.

Conditions:
Inborn genetic diseases. Identifiers: MedGen C0950123, MeSH D030342.

Submissions (2):

Ambry Genetics
Classification: Uncertain significance for Inborn genetic diseases. Last evaluated: 2026-01-20. Review status: criteria provided, single submitter. Criteria: Ambry Variant Classification Scheme 2023. Collection method: clinical testing. Allele origin: germline.

Labcorp Genetics (formerly Invitae), Labcorp
Classification: Uncertain significance. Last evaluated: 2025-08-07. Review status: criteria provided, single submitter. Criteria: Invitae Variant Classification Sherloc (09022015). Collection method: clinical testing. Allele origin: germline.
Comment: This sequence change replaces valine, which is neutral and non-polar, with alanine, which is neutral and non-polar, at codon 1157 of the COL7A1 protein (p.Val1157Ala). This variant is not present in population databases (gnomAD no frequency). This variant has not been reported in the literature in individuals affected with COL7A1-related conditions. ClinVar contains an entry for this variant (Variation ID: 2813498). Invitae Evidence Modeling of protein sequence and biophysical properties (such as structural, functional, and spatial information, amino acid conservation, physicochemical variation, residue mobility, and thermodynamic stability) indicates that this missense variant is not expected to disrupt COL7A1 protein function with a negative predictive value of 95%. In summary, the available evidence is currently insufficient to determine the role of this variant in disease. Therefore, it has been classified as a Variant of Uncertain Significance.